The following is an entry in ClinVar:

NM_001367916.1(MAGT1):c.842T>G (p.Leu281Ter)

Gene: MAGT1 (magnesium transporter 1; minus strand). Cytogenetic location: Xq21.1.
Variant type: single nucleotide variant.
Coding change: c.842T>G on transcript NM_001367916.1 (MANE Select); coding-DNA position 842, T replaced by G.
Protein change: p.Leu281Ter; replaces leucine 281 with a stop codon.
Molecular consequence: nonsense.
Genome position (GRCh38, 1-based): chrX:77,841,305, A>C on the plus strand (T>G on the coding strand, the complement: MAGT1 is on the minus strand). VCF-style: chrX-77841305-A-C. GRCh37 (hg19) VCF-style: chrX-77096802-A-C.
Other names: c.938T>G, p.Leu313Ter (LRG_353t1, NM_032121.5); short protein forms L313*, L281*.
Identifiers: ClinVar variation 625838 (VCV000625838.3), dbSNP rs1569547878, ClinGen allele CA413711647.

ClinVar aggregate classification (germline): Pathogenic. Review status: criteria provided, single submitter (1 of 4 stars). 2 submissions from 2 submitters: Pathogenic (1). 1 of the submissions does not count toward it. Last evaluated 2018-07-01.

Conditions:
X-linked immunodeficiency with magnesium defect, Epstein-Barr virus infection and neoplasia. Identifiers: Orphanet 317476, MedGen C3275445, MONDO:0010455, OMIM 300853.

Submissions (2):

Center for Human Genetics, University of Leuven
Classification: Pathogenic for X-linked immunodeficiency with magnesium defect, Epstein-Barr virus infection and neoplasia. Last evaluated: 2018-07-01. Review status: criteria provided, single submitter. Criteria: ACMG Guidelines, 2015. Collection method: clinical testing, research. Allele origin: maternal. Inheritance: X-linked inheritance. Affected: yes. Observed: 1 hemizygote.
Comment: LOF mutation, Functional assays were performed to assess the functionality of the protein

OMIM
Classification: Pathogenic for IMMUNODEFICIENCY, X-LINKED, WITH MAGNESIUM DEFECT, EPSTEIN-BARR VIRUS INFECTION, AND NEOPLASIA. Last evaluated: 2019-09-09. Review status: no assertion criteria provided. Collection method: literature only. Allele origin: germline. Not counted in ClinVar's aggregate classification.

Literature cited by the submitters: PubMed 31036665 (cited by OMIM).